The following is an entry in ClinVar:

NM_000048.4(ASL):c.1382C>T (p.Ala461Val)

Gene: ASL (argininosuccinate lyase; plus strand). Cytogenetic location: 7q11.21.
Variant type: single nucleotide variant.
Coding change: c.1382C>T on transcript NM_000048.4 (MANE Select); coding-DNA position 1382, C replaced by T.
Protein change: p.Ala461Val; replaces alanine 461 with valine.
Molecular consequence: missense variant.
Genome position (GRCh38, 1-based): chr7:66,092,899, C>T. VCF-style: chr7-66092899-C-T. GRCh37 (hg19) VCF-style: chr7-65557886-C-T.
Other names: c.1382C>T, p.Ala461Val (NM_001024943.2); c.1322C>T, p.Ala441Val (NM_001024944.2); c.1304C>T, p.Ala435Val (NM_001024946.2); short protein forms A441V, A461V, A435V.
Identifiers: ClinVar variation 2160416 (VCV002160416.3), dbSNP rs753893235, ClinGen allele CA4277407.

ClinVar aggregate classification (germline): Uncertain significance (1 of 4 stars; one submission).

Conditions:
Argininosuccinate lyase deficiency. Also called: ARGININOSUCCINIC ACID LYASE DEFICIENCY; ASL DEFICIENCY; Argininosuccinic aciduria. Identifiers: Orphanet 23, MedGen C0268547, MONDO:0008815, OMIM 207900, HP:0025630.

Allele frequency attached by ClinVar (database versions not stated): TOPMed below 0.00001; ExAC 0.00001; gnomAD exomes 0.00001.
gnomAD v4.1: 9 of 1,608,318 alleles (0.00056%); highest among the groups gnomAD compares: Non-Finnish European, 0.00076%; no homozygotes.

Submission:

Labcorp Genetics (formerly Invitae), Labcorp
Classification: Uncertain significance for Argininosuccinate lyase deficiency. Last evaluated: 2024-05-27. Review status: criteria provided, single submitter. Criteria: Invitae Variant Classification Sherloc (09022015). Collection method: clinical testing. Allele origin: germline.
Comment: This sequence change replaces alanine, which is neutral and non-polar, with valine, which is neutral and non-polar, at codon 461 of the ASL protein (p.Ala461Val). This variant is present in population databases (rs753893235, gnomAD 0.003%). This variant has not been reported in the literature in individuals affected with ASL-related conditions. ClinVar contains an entry for this variant (Variation ID: 2160416). Advanced modeling of protein sequence and biophysical properties (such as structural, functional, and spatial information, amino acid conservation, physicochemical variation, residue mobility, and thermodynamic stability) has been performed at Invitae for this missense variant, however the output from this modeling did not meet the statistical confidence thresholds required to predict the impact of this variant on ASL protein function. Algorithms developed to predict the effect of sequence changes on RNA splicing suggest that this variant may create or strengthen a splice site. In summary, the available evidence is currently insufficient to determine the role of this variant in disease. Therefore, it has been classified as a Variant of Uncertain Significance.